The following is an entry in ClinVar:

NM_199420.4(POLQ):c.6233T>C (p.Met2078Thr)

Gene: POLQ (DNA polymerase theta; minus strand). Cytogenetic location: 3q13.33.
Variant type: single nucleotide variant.
Coding change: c.6233T>C on transcript NM_199420.4 (MANE Select); coding-DNA position 6233, T replaced by C.
Protein change: p.Met2078Thr; replaces methionine 2078 with threonine.
Molecular consequence: missense variant.
Genome position (GRCh38, 1-based): chr3:121,476,712, A>G on the plus strand (T>C on the coding strand, the complement: POLQ is on the minus strand). VCF-style: chr3-121476712-A-G. GRCh37 (hg19) VCF-style: chr3-121195559-A-G.
Other names: short protein forms M2078T.
Identifiers: ClinVar variation 1752354 (VCV001752354.3), dbSNP rs376947965, ClinGen allele CA2562525.
Genomic context (GRCh38, chr3:121,476,712, plus strand): 5'-TCTGCAGTACTAAAGCCAATTCCATTTAGTTCTAGCAAGGCCAAGCAGTACTGAGAGGGC[A>G]TTTCCACCTTACGGAAAACATCTGGAAGAAAAAAGAAAATTAAAACGTTAATTCATTGGC-3'
Protein context (NP_955452.3, residues 2068-2088): NLQDVFRKVE[Met2078Thr]PSQYCLALLE

ClinVar aggregate classification (germline): Uncertain significance (1 of 4 stars; one submission).

Allele frequency attached by ClinVar (database versions not stated): gnomAD 0.00001; ExAC 0.00002; ESP Exome Variant Server 0.00008.
gnomAD v4.1: 59 of 1,599,596 alleles (0.0037%); highest among the groups gnomAD compares: Non-Finnish European, 0.0049%; no homozygotes.

Submission:

Ambry Genetics
Classification: Uncertain significance. Last evaluated: 2024-05-30. Review status: criteria provided, single submitter. Criteria: Ambry Variant Classification Scheme 2023. Collection method: clinical testing. Allele origin: germline.
Comment: The p.M2078T variant (also known as c.6233T>C), located in coding exon 20 of the POLQ gene, results from a T to C substitution at nucleotide position 6233. The methionine at codon 2078 is replaced by threonine, an amino acid with similar properties. This amino acid position is conserved. In addition, the in silico prediction for this alteration is inconclusive. Since supporting evidence is limited at this time, the clinical significance of this alteration remains unclear.